The following is an entry in ClinVar:

NM_000455.5(STK11):c.1102G>C (p.Val368Leu)

Genes: STK11 (serine/threonine kinase 11; plus strand), LOC130062899 (ATAC-STARR-seq lymphoblastoid active region 13597; plus strand). Cytogenetic location: 19p13.3.
Variant type: single nucleotide variant.
Coding change: c.1102G>C on transcript NM_000455.5 (MANE Select); coding-DNA position 1102, G replaced by C.
Protein change: p.Val368Leu; replaces valine 368 with leucine.
Molecular consequence: missense variant.
Genome position (GRCh38, 1-based): chr19:1,223,166, G>C. VCF-style: chr19-1223166-G-C. GRCh37 (hg19) VCF-style: chr19-1223165-G-C.
Other names: short protein forms V368L.
Identifiers: ClinVar variation 527829 (VCV000527829.11), dbSNP rs1311925225, ClinGen allele CA402951979.

ClinVar aggregate classification (germline): Uncertain significance. Review status: criteria provided, multiple submitters, no conflicts (2 of 4 stars). 2 submissions from 2 submitters: Uncertain significance (2). Last evaluated 2024-12-31.

Conditions:
Hereditary cancer-predisposing syndrome. Also called: Neoplastic Syndromes, Hereditary; Tumor predisposition; Hereditary neoplastic syndrome; Hereditary Cancer Syndrome. Identifiers: Orphanet 140162, MedGen C0027672, MeSH D009386, MONDO:0015356.
Peutz-Jeghers syndrome (PJS). Also called: POLYPOSIS, HAMARTOMATOUS INTESTINAL; POLYPS-AND-SPOTS SYNDROME; Peutz-Jeghers polyposis; Periorificial lentiginosis syndrome. Identifiers: Orphanet 2869, MedGen C0031269, MeSH D010580, MONDO:0008280, OMIM 175200.

Submissions (2):

Ambry Genetics
Classification: Uncertain significance for Hereditary cancer-predisposing syndrome. Last evaluated: 2024-12-31. Review status: criteria provided, single submitter. Criteria: Ambry Variant Classification Scheme 2023. Collection method: clinical testing. Allele origin: germline.
Comment: The p.V368L variant (also known as c.1102G>C), located in coding exon 8 of the STK11 gene, results from a G to C substitution at nucleotide position 1102. The valine at codon 368 is replaced by leucine, an amino acid with highly similar properties. This amino acid position is highly conserved in available vertebrate species. In addition, this alteration is predicted to be tolerated by in silico analysis. Based on the available evidence, the clinical significance of this variant remains unclear.

Labcorp Genetics (formerly Invitae), Labcorp
Classification: Uncertain significance for Peutz-Jeghers syndrome. Last evaluated: 2024-03-07. Review status: criteria provided, single submitter. Criteria: Invitae Variant Classification Sherloc (09022015). Collection method: clinical testing. Allele origin: germline.
Comment: This sequence change replaces valine, which is neutral and non-polar, with leucine, which is neutral and non-polar, at codon 368 of the STK11 protein (p.Val368Leu). This variant is not present in population databases (gnomAD no frequency). This variant has not been reported in the literature in individuals affected with STK11-related conditions. ClinVar contains an entry for this variant (Variation ID: 527829). Advanced modeling of protein sequence and biophysical properties (such as structural, functional, and spatial information, amino acid conservation, physicochemical variation, residue mobility, and thermodynamic stability) performed at Invitae indicates that this missense variant is not expected to disrupt STK11 protein function with a negative predictive value of 95%. In summary, the available evidence is currently insufficient to determine the role of this variant in disease. Therefore, it has been classified as a Variant of Uncertain Significance.